The following is an entry in ClinVar:

NM_007294.4(BRCA1):c.5030C>T (p.Thr1677Ile)

Gene: BRCA1 (BRCA1 DNA repair associated; minus strand). Cytogenetic location: 17q21.31.
Variant type: single nucleotide variant.
Coding change: c.5030C>T on transcript NM_007294.4 (MANE Select); coding-DNA position 5030, C replaced by T.
Protein change: p.Thr1677Ile; replaces threonine 1677 with isoleucine.
Molecular consequence: missense variant. On other transcripts: non-coding transcript variant (1).
Genome position (GRCh38, 1-based): chr17:43,067,652, G>A on the plus strand (C>T on the coding strand, the complement: BRCA1 is on the minus strand). VCF-style: chr17-43067652-G-A. GRCh37 (hg19) VCF-style: chr17-41219669-G-A.
Other names: c.4817C>T, p.Thr1606Ile (NM_001407571.1, NM_001407894.1, NM_001407895.1 and 12 more transcripts); c.5096C>T, p.Thr1699Ile (NM_001407581.1, NM_001407582.1); c.5093C>T, p.Thr1698Ile (NM_001407583.1, NM_001407585.1, NM_001407587.1 and 1 more transcripts); c.5090C>T, p.Thr1697Ile (NM_001407590.1, NM_001407591.1); c.5030C>T, p.Thr1677Ile (NM_001407593.1, NM_001407594.1, NM_001407596.1 and 8 more transcripts); c.5027C>T, p.Thr1676Ile (NM_001407619.1, NM_001407620.1, NM_001407621.1 and 17 more transcripts); c.5024C>T, p.Thr1675Ile (NM_001407627.1, NM_001407638.1, NM_001407639.1 and 14 more transcripts); c.5021C>T, p.Thr1674Ile (NM_001407644.1, NM_001407645.1); and 70 more; short protein forms T1677I, T1630I, T573I, T1698I, T1523I, T1628I, T1633I, T1650I.
Identifiers: ClinVar variation 233207 (VCV000233207.11), dbSNP rs876660263, ClinGen allele CA10580501.

ClinVar aggregate classification (germline): Uncertain significance. Review status: criteria provided, multiple submitters, no conflicts (2 of 4 stars). 2 submissions from 2 submitters: Uncertain significance (2). Last evaluated 2025-05-30.

Conditions:
Hereditary breast ovarian cancer syndrome. Also called: Breast and ovarian cancer; Hereditary breast and ovarian cancer; Hereditary breast and ovarian cancer syndrome; Hereditary breast and/or ovarian cancer syndrome; BRCA1- and BRCA2-Associated Hereditary Breast and Ovarian Cancer; Hereditary breast and ovarian cancer syndrome (HBOC). Identifiers: Orphanet 145, MedGen C0677776, MeSH D061325, MONDO:0003582. Disease mechanism: loss of function.
Hereditary cancer-predisposing syndrome. Also called: Tumor predisposition; Hereditary Cancer Syndrome; Neoplastic Syndromes, Hereditary; Hereditary neoplastic syndrome. Identifiers: Orphanet 140162, MedGen C0027672, MeSH D009386, MONDO:0015356.

Submissions (3):

Ambry Genetics
Classification: Uncertain significance for Hereditary cancer-predisposing syndrome. Last evaluated: 2025-05-30. Review status: criteria provided, single submitter. Criteria: Ambry Variant Classification Scheme 2023. Collection method: clinical testing. Allele origin: germline.
Comment: The p.T1677I variant (also known as c.5030C>T), located in coding exon 15 of the BRCA1 gene, results from a C to T substitution at nucleotide position 5030. The threonine at codon 1677 is replaced by isoleucine, an amino acid with similar properties. This amino acid position is well conserved in available vertebrate species. In addition, the in silico prediction for this alteration is inconclusive. Based on the available evidence, the clinical significance of this variant remains unclear.

Labcorp Genetics (formerly Invitae), Labcorp
Classification: Uncertain significance for Hereditary breast ovarian cancer syndrome. Last evaluated: 2024-04-15. Review status: criteria provided, single submitter. Criteria: Invitae Variant Classification Sherloc (09022015). Collection method: clinical testing. Allele origin: germline.
Comment: This sequence change replaces threonine, which is neutral and polar, with isoleucine, which is neutral and non-polar, at codon 1677 of the BRCA1 protein (p.Thr1677Ile). This variant is not present in population databases (gnomAD no frequency). This variant has not been reported in the literature in individuals affected with BRCA1-related conditions. ClinVar contains an entry for this variant (Variation ID: 233207). Advanced modeling of protein sequence and biophysical properties (such as structural, functional, and spatial information, amino acid conservation, physicochemical variation, residue mobility, and thermodynamic stability) performed at Invitae indicates that this missense variant is not expected to disrupt BRCA1 protein function with a negative predictive value of 95%. In summary, the available evidence is currently insufficient to determine the role of this variant in disease. Therefore, it has been classified as a Variant of Uncertain Significance.

Brotman Baty Institute, University of Washington
No classification provided (evidence only). Condition: Breast-ovarian cancer, familial 1. Review status: no classification provided. Collection method: in vitro. Allele origin: not applicable. Functional consequence: function_uncertain_variant. Not counted in ClinVar's aggregate classification.
ClinVar note: "not provided" was previously submitted as the classification for the variant. However, the classification appeared to be based only on an observation of functional data so it was converted to no classification on 2025-07-30.